The following is an entry in ClinVar:

NM_004519.4(KCNQ3):c.2329dup (p.Arg777fs)

Gene: KCNQ3 (potassium voltage-gated channel subfamily Q member 3; minus strand). Cytogenetic location: 8q24.22.
Variant type: Duplication.
Coding change: c.2329dup on transcript NM_004519.4 (MANE Select); coding-DNA position 2329, one base duplicated (C; older notation c.2329dupC).
Protein change: p.Arg777fs; shifts the reading frame from arginine 777.
Molecular consequence: frameshift variant.
Genome position (GRCh38, 1-based): chr8:132,129,552, G duplicated on the plus strand (C on the coding strand, the reverse complement: KCNQ3 is on the minus strand); the first of 6 consecutive G bases (chr8:132,129,552-132,129,557); duplicating any one gives the same sequence. VCF-style (leftmost placement, unchanged base first): chr8-132129551-C-CG. GRCh37 (hg19) VCF-style: chr8-133141798-C-CG.
Other names: c.1969dup, p.Arg657fs (NM_001204824.2); short protein forms R657fs, R777fs.
Identifiers: ClinVar variation 944506 (VCV000944506.7), dbSNP rs747993516, ClinGen allele CA4880461.
Genomic context (GRCh38, chr8:132,129,551, plus strand): 5'-TGGTTGACCGACATCAGGGACAGAGGTGTGTCACTGTCTCGCGTGATGCTACGTCTCTGC[C>CG]GGGGGGAGATTCGGTCCGAGTAGGGGCCCTGCAGGTCAGCCTGGGAGTGGCAGCTCACTC-3'

ClinVar aggregate classification (germline): Uncertain significance (1 of 4 stars; one submission).

Conditions:
Benign neonatal seizures. Also called: Convulsions benign familial neonatal dominant form; Autosomal dominant form of benign neonatal seizures; Benign familial neonatal seizures; Benign neonatal familial convulsions; Benign familial neonatal epilepsy. Identifiers: Orphanet 1949, MedGen C0220669, MONDO:0016027.

Submission:

Labcorp Genetics (formerly Invitae), Labcorp
Classification: Uncertain significance for Benign neonatal seizures. Last evaluated: 2023-08-30. Review status: criteria provided, single submitter. Criteria: Invitae Variant Classification Sherloc (09022015). Collection method: clinical testing. Allele origin: germline.
Comment: This variant has not been reported in the literature in individuals affected with KCNQ3-related conditions. This variant is not present in population databases (gnomAD no frequency). This sequence change creates a premature translational stop signal (p.Arg777Profs*5) in the KCNQ3 gene. While this is not anticipated to result in nonsense mediated decay, it is expected to disrupt the last 96 amino acid(s) of the KCNQ3 protein. ClinVar contains an entry for this variant (Variation ID: 944506). In summary, the available evidence is currently insufficient to determine the role of this variant in disease. Therefore, it has been classified as a Variant of Uncertain Significance. Experimental studies and prediction algorithms are not available or were not evaluated, and the functional significance of this variant is currently unknown.